The following is an entry in ClinVar:

NM_031407.7(HUWE1):c.2742+4A>C

Gene: HUWE1 (HECT, UBA and WWE domain containing E3 ubiquitin protein ligase 1; minus strand). Cytogenetic location: Xp11.22.
Variant type: single nucleotide variant.
Coding change: c.2742+4A>C on transcript NM_031407.7 (MANE Select); 4 bases into the intron after coding-DNA position 2742, A replaced by C.
Molecular consequence: intron variant.
Genome position (GRCh38, 1-based): chrX:53,604,585, T>G on the plus strand (A>C on the coding strand, the complement: HUWE1 is on the minus strand). VCF-style: chrX-53604585-T-G. GRCh37 (hg19) VCF-style: chrX-53631546-T-G.
Identifiers: ClinVar variation 3681387 (VCV003681387.2).

ClinVar aggregate classification (germline): Uncertain significance (1 of 4 stars; one submission).

gnomAD v4.1: 1 of 1,211,234 alleles (0.000083%); highest among the groups gnomAD compares: Middle Eastern, 0.023%; no homozygotes.

Submission:

Labcorp Genetics (formerly Invitae), Labcorp
Classification: Uncertain significance. Last evaluated: 2024-06-26. Review status: criteria provided, single submitter. Criteria: Invitae Variant Classification Sherloc (09022015). Collection method: clinical testing. Allele origin: germline.
Comment: This sequence change falls in intron 26 of the HUWE1 gene. It does not directly change the encoded amino acid sequence of the HUWE1 protein. It affects a nucleotide within the consensus splice site. This variant is not present in population databases (gnomAD no frequency). This variant has not been reported in the literature in individuals affected with HUWE1-related conditions. Variants that disrupt the consensus splice site are a relatively common cause of aberrant splicing (PMID: 17576681, 9536098). Algorithms developed to predict the effect of sequence changes on RNA splicing suggest that this variant is not likely to affect RNA splicing. In summary, the available evidence is currently insufficient to determine the role of this variant in disease. Therefore, it has been classified as a Variant of Uncertain Significance.

Literature cited by the submitters: PubMed 17576681; PubMed 9536098.